The following is an entry in ClinVar:

ClinVar aggregate classification (germline): Benign/Likely benign. Review status: criteria provided, multiple submitters, no conflicts (2 of 4 stars). 3 submissions from 3 submitters: Benign (1); Likely benign (2). Last evaluated 2026-06-01.

Conditions:
Cardiovascular phenotype. Identifiers: MedGen CN230736.
Hypertrophic cardiomyopathy 26. Also called: Cardiomyopathy, familial hypertrophic, 26. Identifiers: Orphanet 75249, MedGen C4310749, MONDO:0014883, OMIM 617047.
Myofibrillar myopathy 5. Also called: Filaminopathy (type); FILAMINOPATHY, AUTOSOMAL DOMINANT. Identifiers: Orphanet 171445, MedGen C1836050, MONDO:0012289, OMIM 609524.
Distal myopathy with posterior leg and anterior hand involvement. Also called: WILLIAMS DISTAL MYOPATHY. Identifiers: Orphanet 63273, MedGen C3279722, MONDO:0013550, OMIM 614065.

Allele frequency attached by ClinVar (database versions not stated): gnomAD exomes 0.00001 and 0.00009; gnomAD 0.00002 and 0.00003; TOPMed 0.00003; ExAC 0.00006.
gnomAD v4.1: 25 of 1,613,598 alleles (0.0015%); highest among the groups gnomAD compares: East Asian, 0.027%; no homozygotes.

Submissions (3):

CeGaT Center for Human Genetics Tuebingen
Classification: Likely benign. Last evaluated: 2026-06-01. Review status: criteria provided, single submitter. Criteria: CeGaT Center For Human Genetics Tuebingen Variant Classification Criteria Version 2. Collection method: clinical testing. Allele origin: germline. Affected: yes. Observed: 1 variant allele.
Comment: FLNC: BP4, BP7

Labcorp Genetics (formerly Invitae), Labcorp
Classification: Benign for Distal myopathy with posterior leg and anterior hand involvement; Myofibrillar myopathy 5; Hypertrophic cardiomyopathy 26. Last evaluated: 2025-03-27. Review status: criteria provided, single submitter. Criteria: Invitae Variant Classification Sherloc (09022015). Collection method: clinical testing. Allele origin: germline.

Ambry Genetics
Classification: Likely benign for Cardiovascular phenotype. Last evaluated: 2022-08-20. Review status: criteria provided, single submitter. Criteria: Ambry Variant Classification Scheme 2023. Collection method: clinical testing. Allele origin: germline.

NM_001458.5(FLNC):c.7215G>A (p.Ser2405=)

Genes: FLNC (filamin C; plus strand), FLNC-AS1 (FLNC antisense RNA 1; minus strand). Cytogenetic location: 7q32.1.
Variant type: single nucleotide variant.
Coding change: c.7215G>A on transcript NM_001458.5 (MANE Select); coding-DNA position 7215, G replaced by A.
Protein change: p.Ser2405=; no amino-acid change (serine 2405 retained).
Molecular consequence: synonymous variant.
Genome position (GRCh38, 1-based): chr7:128,855,278, G>A. VCF-style: chr7-128855278-G-A. GRCh37 (hg19) VCF-style: chr7-128495332-G-A.
Other names: c.7116G>A, p.Ser2372= (NM_001127487.2).
Identifiers: ClinVar variation 472163 (VCV000472163.16), dbSNP rs774019775, ClinGen allele CA4476190.